The following is an entry in ClinVar:

ClinVar aggregate classification (germline): Uncertain significance. Review status: criteria provided, multiple submitters, no conflicts (2 of 4 stars). 5 submissions from 5 submitters: Uncertain significance (5). Last evaluated 2024-03-29.

Conditions:
Malignant hyperthermia, susceptibility to, 1 (MHS1). Also called: Anesthesia related hyperthermia; Malignant hyperpyrexia; Fulminating hyperpyrexia; Pharmacogenic myopathy; Malignant hyperthermia suceptibility 1; RYR1-Related Malignant Hyperthermia Susceptibility. Identifiers: Orphanet 423, MedGen C2930980, MONDO:0007783, OMIM 145600.
Central core myopathy (CMYO1A). Also called: CONGENITAL MYOPATHY 1A, AUTOSOMAL DOMINANT, WITH SUSCEPTIBILITY TO MALIGNANT HYPERTHERMIA; Central core disease; Myopathy, central fibrillar. Identifiers: Orphanet 597, MedGen C5830701, MONDO:0007294, OMIM 117000.
Congenital multicore myopathy with external ophthalmoplegia (CMYO1B). Also called: MULTIMINICORE DISEASE WITH EXTERNAL OPHTHALMOPLEGIA; MULTICORE MYOPATHY; Minicore myopathy with external ophthalmoplegia; Congenital myopathy 1B, autosomal recessive; Minicore myopathy. Identifiers: Orphanet 598, Orphanet 98905, MedGen C1850674, MONDO:0009712, OMIM 255320, HP:0003789.
Congenital myopathy with fiber type disproportion. Also called: Congenital fiber-type disproportion; Congenital fiber-type disproportion myopathy. Identifiers: Orphanet 2020, MedGen C0546264, MONDO:0009711. Inheritance: all.
King Denborough syndrome (KDS). Identifiers: MedGen C1840365, MONDO:0020485, OMIM 619542.
RYR1-related disorder. Also called: RYR1-related disorders; RYR1-related condition. Identifiers: MedGen CN239331.

Allele frequency attached by ClinVar (database versions not stated): ExAC 0.00001; gnomAD exomes 0.00001 and 0.00002; TOPMed 0.00002; gnomAD 0.00003 and 0.00004; ESP Exome Variant Server 0.00008.
gnomAD v4.1: 23 of 1,614,056 alleles (0.0014%); highest among the groups gnomAD compares: Admixed American, 0.005%; no homozygotes.

Submissions (5):

Color Diagnostics, LLC DBA Color Health
Classification: Uncertain significance for Malignant hyperthermia, susceptibility to, 1. Last evaluated: 2024-03-29. Review status: criteria provided, single submitter. Criteria: ACMG Guidelines, 2015. Collection method: clinical testing. Allele origin: germline.
Comment: This missense variant replaces isoleucine with valine at codon 4817 of the RYR1 protein. Computational prediction is inconclusive regarding the impact of this variant on protein structure and function. To our knowledge, functional studies have not been reported for this variant. This variant has been reported in an individual affected with malignant hyperthermia susceptibility (PMID: 16917943). This variant has not been identified in the general population by the Genome Aggregation Database (gnomAD). The available evidence is insufficient to determine the role of this variant in disease conclusively. Therefore, this variant is classified as a Variant of Uncertain Significance.

Labcorp Genetics (formerly Invitae), Labcorp
Classification: Uncertain significance for RYR1-related disorder. Last evaluated: 2022-09-28. Review status: criteria provided, single submitter. Criteria: Invitae Variant Classification Sherloc (09022015). Collection method: clinical testing. Allele origin: germline.
Comment: This sequence change replaces isoleucine, which is neutral and non-polar, with valine, which is neutral and non-polar, at codon 4817 of the RYR1 protein (p.Ile4817Val). This variant is present in population databases (rs143988412, gnomAD 0.006%). This variant has not been reported in the literature in individuals affected with RYR1-related conditions. ClinVar contains an entry for this variant (Variation ID: 1331337). Advanced modeling of protein sequence and biophysical properties (such as structural, functional, and spatial information, amino acid conservation, physicochemical variation, residue mobility, and thermodynamic stability) has been performed at Invitae for this missense variant, however the output from this modeling did not meet the statistical confidence thresholds required to predict the impact of this variant on RYR1 protein function. In summary, the available evidence is currently insufficient to determine the role of this variant in disease. Therefore, it has been classified as a Variant of Uncertain Significance.

Fulgent Genetics
Classification: Uncertain significance for Central core myopathy; Malignant hyperthermia, susceptibility to, 1; Congenital myopathy 4A, autosomal dominant; Congenital multicore myopathy with external ophthalmoplegia; King Denborough syndrome. Last evaluated: 2022-04-13. Review status: criteria provided, single submitter. Criteria: ACMG Guidelines, 2015. Collection method: clinical testing. Allele origin: unknown.

GeneDx
Classification: Uncertain significance. Last evaluated: 2021-07-02. Review status: criteria provided, single submitter. Criteria: GeneDx Variant Classification Process June 2021. Collection method: clinical testing. Allele origin: germline. Affected: yes.
Comment: Not observed at significant frequency in large population cohorts (Lek et al., 2016); In silico analysis supports that this missense variant does not alter protein structure/function; A different missense change at this residue (I4817F) has been reported in the published literature (Robinson et al., 2006); Has not been previously published as pathogenic or benign to our knowledge; This variant is associated with the following publications: (PMID: 20681998, 27535533)

Revvity Omics, Revvity
Classification: Uncertain significance. Last evaluated: 2019-06-20. Review status: criteria provided, single submitter. Criteria: ACMG Guidelines, 2015. Collection method: clinical testing. Allele origin: germline.

Literature cited by the submitters: PubMed 16917943 (cited by Color Diagnostics, LLC DBA Color Health).

NM_000540.3(RYR1):c.14449A>G (p.Ile4817Val)

Gene: RYR1 (ryanodine receptor 1; plus strand). Cytogenetic location: 19q13.2.
Variant type: single nucleotide variant.
Coding change: c.14449A>G on transcript NM_000540.3 (MANE Select); coding-DNA position 14449, A replaced by G.
Protein change: p.Ile4817Val; replaces isoleucine 4817 with valine.
Molecular consequence: missense variant.
Genome position (GRCh38, 1-based): chr19:38,580,066, A>G. VCF-style: chr19-38580066-A-G. GRCh37 (hg19) VCF-style: chr19-39070706-A-G.
Other names: c.14434A>G, p.Ile4812Val (NM_001042723.2); short protein forms I4812V, I4817V.
Identifiers: ClinVar variation 1331337 (VCV001331337.10), dbSNP rs143988412, ClinGen allele CA061296.